The following is an entry in ClinVar:

ClinVar aggregate classification (germline): Likely pathogenic (1 of 4 stars; one submission).

Conditions:
Glutaric acidemia type 2C.

Submission:

Natera, Inc.
Classification: Likely pathogenic for Glutaric acidemia type 2C. Last evaluated: 2024-04-11. Review status: criteria provided, single submitter. Criteria: Natera Variant Classification Schema (03/2026). Collection method: clinical testing. Allele origin: germline.
Comment: The c.736G>T variant in ETFDH is a nonsense variant predicted to introduce a stop codon at amino acid 246. This variant is expected to result in nonsense mediated decay, truncation, or a dysfunctional protein product. This variant is rare in the general population with a frequency below the threshold expected for the associated phenotype(s). Given the available evidence, this variant is classified as Likely Pathogenic.

NM_004453.4(ETFDH):c.736G>T (p.Glu246Ter)

Gene: ETFDH (electron transfer flavoprotein dehydrogenase; plus strand). Cytogenetic location: 4q32.1.
Variant type: single nucleotide variant.
Coding change: c.736G>T on transcript NM_004453.4 (MANE Select); coding-DNA position 736, G replaced by T.
Protein change: p.Glu246Ter; replaces glutamic acid 246 with a stop codon.
Molecular consequence: nonsense.
Genome position (GRCh38, 1-based): chr4:158,695,548, G>T. VCF-style: chr4-158695548-G-T. GRCh37 (hg19) VCF-style: chr4-159616700-G-T.
Other names: c.595G>T, p.Glu199Ter (NM_001281737.2); c.553G>T, p.Glu185Ter (NM_001281738.1); short protein forms E185*, E199*, E246*.
Identifiers: ClinVar variation 4815352 (VCV004815352.1).